The following is an entry in ClinVar:

ClinVar aggregate classification (germline): Pathogenic (1 of 4 stars; one submission).

Conditions:
VPS13A-related neurodegenerative disease. Also called: ACANTHOCYTOSIS WITH NEUROLOGIC DISORDER; LEVINE-CRITCHLEY SYNDROME; Choreoacanthocytosis; Chorea-acanthocytosis; Choreaacanthocytosis; VPS13A Disease. Identifiers: Orphanet 2388, MedGen C0393576, MONDO:0008695, OMIM 200150.

Submission:

Myriad Genetics, Inc.
Classification: Pathogenic for VPS13A-related neurodegenerative disease. Last evaluated: 2025-03-28. Review status: criteria provided, single submitter. Criteria: Myriad Autosomal Dominant, Autosomal Recessive and X-Linked Classification Criteria (2023). Collection method: clinical testing. Allele origin: unknown.
Comment: NM_033305.2(VPS13A):c.6675dupA(Q2226Tfs*14) is expected to be pathogenic in the context of VPS13A disease. This variant is predicted to lead to an abnormal or absent protein product due to the creation of a premature termination codon in VPS13A, a gene where loss-of-function variants are known to be pathogenic. Please note: this variant was assessed in the context of healthy population screening.

NM_033305.3(VPS13A):c.6675dup (p.Gln2226fs)

Gene: VPS13A (vacuolar protein sorting 13 homolog A; plus strand). Cytogenetic location: 9q21.2.
Variant type: Duplication.
Coding change: c.6675dup on transcript NM_033305.3 (MANE Select); coding-DNA position 6675, one base duplicated (A; older notation c.6675dupA).
Protein change: p.Gln2226fs; shifts the reading frame from glutamine 2226.
Molecular consequence: frameshift variant.
Genome position (GRCh38, 1-based): chr9:77,339,812, A duplicated. VCF-style (leftmost placement, unchanged base first): chr9-77339811-T-TA. GRCh37 (hg19) VCF-style: chr9-79954727-T-TA.
Other names: c.6558dup, p.Gln2187fs (NM_001018037.2); c.6675dup, p.Gln2226fs (NM_001018038.3, NM_015186.4); short protein forms Q2187fs, Q2226fs.
Identifiers: ClinVar variation 5014277 (VCV005014277.1).